The following is an entry in ClinVar:

ClinVar aggregate classification (germline): Uncertain significance (1 of 4 stars; one submission).

Conditions:
Developmental and epileptic encephalopathy, 34 (DEE34). Also called: Early infantile epileptic encephalopathy 34; SLC12A5-Related Epilepsy of Infancy with Migrating Focal Seizures. Identifiers: Orphanet 293181, MedGen C4225257, MONDO:0014718, OMIM 616645.

Allele frequency attached by ClinVar (database versions not stated): gnomAD exomes below 0.00001.
gnomAD v4.1: 1 of 1,614,190 alleles (0.000062%); highest among the groups gnomAD compares: Non-Finnish European, 0.000085%; no homozygotes.

Submission:

Labcorp Genetics (formerly Invitae), Labcorp
Classification: Uncertain significance for Developmental and epileptic encephalopathy, 34. Last evaluated: 2022-01-06. Review status: criteria provided, single submitter. Criteria: Invitae Variant Classification Sherloc (09022015). Collection method: clinical testing. Allele origin: germline.
Comment: In summary, the available evidence is currently insufficient to determine the role of this variant in disease. Therefore, it has been classified as a Variant of Uncertain Significance. Advanced modeling of protein sequence and biophysical properties (such as structural, functional, and spatial information, amino acid conservation, physicochemical variation, residue mobility, and thermodynamic stability) performed at Invitae indicates that this missense variant is not expected to disrupt SLC12A5 protein function. ClinVar contains an entry for this variant (Variation ID: 863592). This variant has not been reported in the literature in individuals affected with SLC12A5-related conditions. This variant is not present in population databases (gnomAD no frequency). This sequence change replaces aspartic acid, which is acidic and polar, with glutamic acid, which is acidic and polar, at codon 1011 of the SLC12A5 protein (p.Asp1011Glu).

NM_020708.5(SLC12A5):c.3033C>G (p.Asp1011Glu)

Gene: SLC12A5 (solute carrier family 12 member 5; plus strand). Cytogenetic location: 20q13.12.
Variant type: single nucleotide variant.
Coding change: c.3033C>G on transcript NM_020708.5 (MANE Select); coding-DNA position 3033, C replaced by G.
Protein change: p.Asp1011Glu; replaces aspartic acid 1011 with glutamic acid.
Molecular consequence: missense variant.
Genome position (GRCh38, 1-based): chr20:46,056,487, C>G. VCF-style: chr20-46056487-C-G. GRCh37 (hg19) VCF-style: chr20-44685126-C-G.
Other names: c.3102C>G, p.Asp1034Glu (NM_001134771.2); short protein forms D1011E, D1034E.
Identifiers: ClinVar variation 863592 (VCV000863592.13), dbSNP rs2084695742, ClinGen allele CA409207918.